The following is an entry in ClinVar:

ClinVar aggregate classification (germline): Uncertain significance (1 of 4 stars; one submission).

Allele frequency attached by ClinVar (database versions not stated): gnomAD exomes 0.00001; ExAC 0.00002.

Submission:

Labcorp Genetics (formerly Invitae), Labcorp
Classification: Uncertain significance. Last evaluated: 2022-01-25. Review status: criteria provided, single submitter. Criteria: Invitae Variant Classification Sherloc (09022015). Collection method: clinical testing. Allele origin: germline.
Comment: This sequence change replaces leucine, which is neutral and non-polar, with phenylalanine, which is neutral and non-polar, at codon 168 of the DNASE1L3 protein (p.Leu168Phe). In summary, the available evidence is currently insufficient to determine the role of this variant in disease. Therefore, it has been classified as a Variant of Uncertain Significance. Algorithms developed to predict the effect of missense changes on protein structure and function are either unavailable or do not agree on the potential impact of this missense change (SIFT: "Deleterious"; PolyPhen-2: "Probably Damaging"; Align-GVGD: "Class C15"). This variant has not been reported in the literature in individuals affected with DNASE1L3-related conditions. This variant is present in population databases (rs770137098, gnomAD 0.003%).

NM_004944.4(DNASE1L3):c.504G>C (p.Leu168Phe)

Gene: DNASE1L3 (deoxyribonuclease 1L3; minus strand). Cytogenetic location: 3p14.3.
Variant type: single nucleotide variant.
Coding change: c.504G>C on transcript NM_004944.4 (MANE Select); coding-DNA position 504, G replaced by C.
Protein change: p.Leu168Phe; replaces leucine 168 with phenylalanine.
Molecular consequence: missense variant.
Genome position (GRCh38, 1-based): chr3:58,201,039, C>G on the plus strand (G>C on the coding strand, the complement: DNASE1L3 is on the minus strand). VCF-style: chr3-58201039-C-G. GRCh37 (hg19) VCF-style: chr3-58186766-C-G.
Other names: c.414G>C, p.Leu138Phe (NM_001256560.2); short protein forms L168F, L138F.
Identifiers: ClinVar variation 2089386 (VCV002089386.4), dbSNP rs770137098, ClinGen allele CA2469962.